The following is an entry in ClinVar:

NM_025215.6(PUS1):c.112_128del (p.Ala38fs)

Genes: PUS1 (pseudouridine synthase 1; plus strand), LOC130009240 (ATAC-STARR-seq lymphoblastoid silent region 5107; plus strand). Cytogenetic location: 12q24.33.
Variant type: Deletion.
Coding change: c.112_128del on transcript NM_025215.6 (MANE Select); coding-DNA positions 112 to 128, 17 bases deleted (GCCGGAGCCGCATGCCC).
Protein change: p.Ala38fs; shifts the reading frame from alanine 38.
Molecular consequence: frameshift variant.
Genome position (GRCh38, 1-based): chr12:131,929,944-131,929,960, GCCGGAGCCGCATGCCC deleted; deleting any 17 consecutive bases within chr12:131,929,940-131,929,960 gives the same sequence; the c. name uses the placement nearest the transcript's 3' end. VCF-style (leftmost placement, unchanged base first): chr12-131929939-CGCCCGCCGGAGCCGCAT-C. GRCh37 (hg19) VCF-style: chr12-132414484-CGCCCGCCGGAGCCGCAT-C.
Other names: c.28_44del, p.Ala10fs (NM_001002019.3, NM_001002020.3); short protein forms A10fs, A38fs.
Identifiers: ClinVar variation 2858042 (VCV002858042.3), dbSNP rs2541388910, ClinGen allele CA2739277353.

ClinVar aggregate classification (germline): Pathogenic (1 of 4 stars; one submission).

Submission:

Labcorp Genetics (formerly Invitae), Labcorp
Classification: Pathogenic. Last evaluated: 2023-04-20. Review status: criteria provided, single submitter. Criteria: Invitae Variant Classification Sherloc (09022015). Collection method: clinical testing. Allele origin: germline.
Comment: This variant has not been reported in the literature in individuals affected with PUS1-related conditions. This sequence change creates a premature translational stop signal (p.Ala38Profs*70) in the PUS1 gene. It is expected to result in an absent or disrupted protein product. Loss-of-function variants in PUS1 are known to be pathogenic (PMID: 17056637, 19731322, 25058219, 26556812). This variant is not present in population databases (gnomAD no frequency). For these reasons, this variant has been classified as Pathogenic.

Literature cited by the submitters: PubMed 17056637; PubMed 19731322; PubMed 25058219; PubMed 26556812.